The following is an entry in ClinVar:

ClinVar aggregate classification (germline): Uncertain significance (1 of 4 stars; one submission).

Submission:

Labcorp Genetics (formerly Invitae), Labcorp
Classification: Uncertain significance. Last evaluated: 2025-06-16. Review status: criteria provided, single submitter. Criteria: Invitae Variant Classification Sherloc (09022015). Collection method: clinical testing. Allele origin: germline.
Comment: This sequence change replaces glutamic acid, which is acidic and polar, with glycine, which is neutral and non-polar, at codon 3081 of the SZT2 protein (p.Glu3081Gly). This variant is not present in population databases (gnomAD no frequency). This variant has not been reported in the literature in individuals affected with SZT2-related conditions. ClinVar contains an entry for this variant (Variation ID: 1043054). Invitae Evidence Modeling of protein sequence and biophysical properties (such as structural, functional, and spatial information, amino acid conservation, physicochemical variation, residue mobility, and thermodynamic stability) indicates that this missense variant is expected to disrupt SZT2 protein function with a positive predictive value of 80%. In summary, the available evidence is currently insufficient to determine the role of this variant in disease. Therefore, it has been classified as a Variant of Uncertain Significance.

NM_001365999.1(SZT2):c.9413A>G (p.Glu3138Gly)

Gene: SZT2 (SZT2 subunit of KICSTOR complex; plus strand). Cytogenetic location: 1p34.2.
Variant type: single nucleotide variant.
Coding change: c.9413A>G on transcript NM_001365999.1 (MANE Select); coding-DNA position 9413, A replaced by G.
Protein change: p.Glu3138Gly; replaces glutamic acid 3138 with glycine.
Molecular consequence: missense variant.
Genome position (GRCh38, 1-based): chr1:43,447,671, A>G. VCF-style: chr1-43447671-A-G. GRCh37 (hg19) VCF-style: chr1-43913342-A-G.
Other names: c.9242A>G, p.Glu3081Gly (NM_015284.4); short protein forms E3081G, E3138G.
Identifiers: ClinVar variation 1043054 (VCV001043054.8), dbSNP rs1655842305, ClinGen allele CA340043079.